The following is an entry in ClinVar:

ClinVar aggregate classification (germline): Pathogenic. Review status: criteria provided, multiple submitters, no conflicts (2 of 4 stars). 2 submissions from 2 submitters: Pathogenic (2). Last evaluated 2020-03-04.

Conditions:
Autoimmune lymphoproliferative syndrome type 1. Also called: AUTOIMMUNE LYMPHOPROLIFERATIVE SYNDROME, TYPE I, AUTOSOMAL DOMINANT. Identifiers: Orphanet 3261, MedGen C2717884, MONDO:0011158, OMIM 601859.

Submissions (2):

Labcorp Genetics (formerly Invitae), Labcorp
Classification: Pathogenic for Autoimmune lymphoproliferative syndrome. Last evaluated: 2020-03-04. Review status: criteria provided, single submitter. Criteria: Invitae Variant Classification Sherloc (09022015). Collection method: clinical testing. Allele origin: germline.
Comment: For these reasons, this variant has been classified as Pathogenic. This variant disrupts the C-terminus of the FAS protein. Other variant(s) that disrupt this region (p.L294*) have been determined to be pathogenic (PMID: 10090885, 2149015). This suggests that variants that disrupt this region of the protein are likely to be causative of disease. This variant has been reported to affect FAS protein function (PMID: 21490157). This variant has been observed in individual(s) with autoimmune lymphoproliferative syndrome (PMID: 21490157). ClinVar contains an entry for this variant (Variation ID: 265400). This variant is not present in population databases (ExAC no frequency). This sequence change results in a premature translational stop signal in the FAS gene (p.Leu294Aspfs*2). While this is not anticipated to result in nonsense mediated decay, it is expected to disrupt the last 42 amino acids of the FAS protein.

GeneDx
Classification: Pathogenic. Last evaluated: 2016-06-07. Review status: criteria provided, single submitter. Criteria: GeneDx Variant Classification (06012015). Collection method: clinical testing. Allele origin: germline. Affected: yes.
Comment: The c.879_880delAT pathogenic variant in the FAS gene has been reported previously in association with autoimmune lymphoproliferative syndrome (ALPS) type 1A (Lo et al., 2013; Kuehn et al., 2011). The deletion causes a frameshift starting with codon Leucine 294, changes this amino acid to an Aspartic acid residue and creates a premature Stop codon at position 2 of the new reading frame, denoted p.Leu294AspfsX2. This pathogenic variant is predicted to cause loss of normal protein function through protein truncation. Functional studies have shown that c.879_880delAT results in increased FAS surface expression and impaired apoptosis (Kuehn et al., 2011). Additionally, the variant was not observed in approximately 6,500 individuals of European and African American ancestry in the NHLBI Exome Sequencing Project, indicating it is not a common benign variant in these populations.

Literature cited by the submitters: PubMed 10090885 (cited by Labcorp Genetics (formerly Invitae), Labcorp); PubMed 2149015 (cited by Labcorp Genetics (formerly Invitae), Labcorp); PubMed 21490157 (cited by Labcorp Genetics (formerly Invitae), Labcorp).

NM_000043.6(FAS):c.879_880del (p.Leu294fs)

Gene: FAS (Fas cell surface death receptor; plus strand). Cytogenetic location: 10q23.31.
Variant type: Deletion.
Coding change: c.879_880del on transcript NM_000043.6 (MANE Select); coding-DNA positions 879 to 880, 2 bases deleted (AT; older notation c.879_880delAT).
Protein change: p.Leu294fs; shifts the reading frame from leucine 294.
Molecular consequence: frameshift variant. On other transcripts: 3 prime UTR variant (2), non-coding transcript variant (7).
Genome position (GRCh38, 1-based): chr10:89,014,321-89,014,322, AT deleted. VCF-style (leftmost placement, unchanged base first): chr10-89014320-CAT-C. GRCh37 (hg19) VCF-style: chr10-90774077-CAT-C.
Other names: c.*202_*203del (NM_001320619.2); c.816_817del, p.Leu273fs (NM_152871.4); c.*191_*192del (NM_152872.4); short protein forms L273fs, L294fs.
Identifiers: ClinVar variation 265400 (VCV000265400.10), dbSNP rs886039524, ClinGen allele CA10588485.